The following is an entry in ClinVar:

NM_054012.4(ASS1):c.438G>A (p.Arg146=)

Gene: ASS1 (argininosuccinate synthase 1; plus strand). Cytogenetic location: 9q34.11.
Variant type: single nucleotide variant.
Coding change: c.438G>A on transcript NM_054012.4 (MANE Select); coding-DNA position 438, G replaced by A.
Protein change: p.Arg146=; no amino-acid change (arginine 146 retained).
Molecular consequence: synonymous variant.
Genome position (GRCh38, 1-based): chr9:130,466,742, G>A. VCF-style: chr9-130466742-G-A. GRCh37 (hg19) VCF-style: chr9-133342129-G-A.
Other names: c.438G>A, p.Arg146= (NM_000050.4).
Identifiers: ClinVar variation 1089006 (VCV001089006.11), dbSNP rs1180017518, ClinGen allele CA467388991.

ClinVar aggregate classification (germline): Likely benign. Review status: criteria provided, single submitter (1 of 4 stars). 2 submissions from 2 submitters: Likely benign (1). 1 of the submissions does not count toward it. Last evaluated 2020-10-07.

Conditions:
ASS1-related disorder. Also called: ASS1-related condition.
Citrullinemia. Identifiers: Orphanet 187, MedGen C0175683, MONDO:0015991.

Allele frequency attached by ClinVar (database versions not stated): gnomAD 0.00001; TOPMed 0.00001.
gnomAD v4.1: 1 of 1,614,024 alleles (0.000062%); highest among the groups gnomAD compares: African/African-American, 0.0013%; no homozygotes.

Submissions (2):

Labcorp Genetics (formerly Invitae), Labcorp
Classification: Likely benign for Citrullinemia. Last evaluated: 2020-10-07. Review status: criteria provided, single submitter. Criteria: Invitae Variant Classification Sherloc (09022015). Collection method: clinical testing. Allele origin: germline.

PreventionGenetics, part of Exact Sciences
Classification: Likely benign for ASS1-related condition. Last evaluated: 2019-08-28. Review status: no assertion criteria provided. Collection method: clinical testing. Allele origin: germline. Not counted in ClinVar's aggregate classification.
Comment: This variant is classified as likely benign based on ACMG/AMP sequence variant interpretation guidelines (Richards et al. 2015 PMID: 25741868, with internal and published modifications).